The following is an entry in ClinVar:

NM_000257.4(MYH7):c.2302G>C (p.Gly768Arg)

Genes: MYH7 (myosin heavy chain 7; minus strand), LOC126861898 (BRD4-independent group 4 enhancer GRCh37_chr14:23893609-23894808; plus strand). Cytogenetic location: 14q11.2.
Variant type: single nucleotide variant.
Coding change: c.2302G>C on transcript NM_000257.4 (MANE Select); coding-DNA position 2302, G replaced by C.
Protein change: p.Gly768Arg; replaces glycine 768 with arginine.
Molecular consequence: missense variant.
Genome position (GRCh38, 1-based): chr14:23,425,403, C>G on the plus strand (G>C on the coding strand, the complement: MYH7 is on the minus strand). VCF-style: chr14-23425403-C-G. GRCh37 (hg19) VCF-style: chr14-23894612-C-G.
Other names: p.G768R:GGG>CGG; c.2302G>C (LRG_384t1); short protein forms G768R.
Identifiers: ClinVar variation 181180 (VCV000181180.14), dbSNP rs727503260, ClinGen allele CA012115.
Genomic context (GRCh38, chr14:23,425,403, plus strand): 5'-TACGCGTGATGATGCGGCTCAGCCTCTCGTCCCTCATTTCCTCCAGCAGCCCCAGCAGCC[C>G]GGCCTTGAAGAACACCTGCAGGCAAGGTGTGTGTTGGCCATGACTAGGGAGGGGTACGAG-3'
Protein context (NP_000248.2, residues 758-778): FGHTKVFFKA[Gly768Arg]LLGLLEEMRD

ClinVar aggregate classification (germline): Pathogenic. Review status: criteria provided, multiple submitters, no conflicts (2 of 4 stars). 4 submissions from 4 submitters: Pathogenic (4). Last evaluated 2026-01-07.

Conditions:
Cardiovascular phenotype. Identifiers: MedGen CN230736.
Cardiomyopathy (CMYO). Also called: Cardiomyopathies. Identifiers: Orphanet 167848, MedGen C0878544, MONDO:0004994, HP:0001638. Inheritance: Various modes of inheritance.
Hypertrophic cardiomyopathy. Also called: HYPERTROPHIC MYOCARDIOPATHY. Identifiers: Orphanet 217569, MedGen C0007194, MeSH D002312, MONDO:0005045, HP:0001639.

Submissions (4):

Labcorp Genetics (formerly Invitae), Labcorp
Classification: Pathogenic for Hypertrophic cardiomyopathy. Last evaluated: 2026-01-07. Review status: criteria provided, single submitter. Criteria: Invitae Variant Classification Sherloc (09022015). Collection method: clinical testing. Allele origin: germline.
Comment: This sequence change replaces glycine, which is neutral and non-polar, with arginine, which is basic and polar, at codon 768 of the MYH7 protein (p.Gly768Arg). This variant is not present in population databases (gnomAD no frequency). This missense change has been observed in individual(s) with hypertrophic cardiomyopathy (PMID: 12707239, 18076673, 20800588, 25935763, 27600940). ClinVar contains an entry for this variant (Variation ID: 181180). Invitae Evidence Modeling of protein sequence and biophysical properties (such as structural, functional, and spatial information, amino acid conservation, physicochemical variation, residue mobility, and thermodynamic stability) indicates that this missense variant is expected to disrupt MYH7 protein function with a positive predictive value of 95%. This variant is found within a region of MYH7 between codons 181 and 937 that contains the majority of the myosin head domain. Missense variants in this region have been shown to be significantly overrepresented in individuals with hypertrophic cardiomyopathy (PMID: 27532257). For these reasons, this variant has been classified as Pathogenic.

Ambry Genetics
Classification: Pathogenic for Cardiovascular phenotype. Last evaluated: 2021-05-04. Review status: criteria provided, single submitter. Criteria: Ambry Variant Classification Scheme 2023. Collection method: clinical testing. Allele origin: germline.
Comment: The p.G768R pathogenic mutation (also known as c.2302G>C), located in coding exon 19 of the MYH7 gene, results from a G to C substitution at nucleotide position 2302. The glycine at codon 768 is replaced by arginine, an amino acid with dissimilar properties. This alteration is located in the myosin head domain, which contains a statistically significant clustering of pathogenic missense variants (Homburger JR et al. Proc Natl Acad Sci U S A, 2016 06;113:6701-6; Walsh R et al. Genet Med, 2017 02;19:192-203; Ambry internal data). This alteration has been reported in several individuals with hypertrophic cardiomyopathy (HCM) and in a pediatric patient with restrictive cardiomyopathy (RCM) (Miller EM et al. J Genet Couns, 2013 Apr;22:258-67; Cecconi M et al. Int. J. Mol. Med., 2016 Oct;38:1111-24; Ware SM et al. Clin. Genet., 2008 Feb;73:165-70; Hinton RB et al. J. Pediatr., 2010 Jul;157:164-6). In addition, a different alteration located at the same position, resulting in the same protein change, c.2302G>A (p.G768R), has been reported in individuals with HCM and RCM (Ho CY et al. Circ Cardiovasc Imaging, 2013 May;6:415-22; Garc&iacute;a-Giustiniani D et al. Heart, 2015 Jul;101:1047-53; Walsh R et al. Genet. Med., 2017 02;19:192-203; Wang J et al. Int Heart J, 2019 Mar;60:477-481; Franaszczyk M et al. J Clin Med, 2020 Jan;9:). This variant is considered to be rare based on population cohorts in the Genome Aggregation Database (gnomAD). This amino acid position is highly conserved in available vertebrate species. In addition, this alteration is predicted to be deleterious by in silico analysis. Based on the supporting evidence, this alteration is interpreted as a disease-causing mutation.

Women's Health and Genetics/Laboratory Corporation of America, LabCorp
Classification: Pathogenic for Cardiomyopathy. Last evaluated: 2021-02-01. Review status: criteria provided, single submitter. Criteria: LabCorp Variant Classification Summary - May 2015. Collection method: clinical testing. Allele origin: germline.
Comment: Variant summary: MYH7 c.2302G>C (p.Gly768Arg) results in a non-conservative amino acid change located in the Myosin head, motor domain (IPR001609) of the encoded protein sequence. Five of five in-silico tools predict a damaging effect of the variant on protein function. The variant was absent in 251408 control chromosomes. c.2302G>C has been reported in the literature in multiple individuals affected with Cardiomyopathy (e.g. Hinton_2010, Miller_2013, Kostareva_2016, Vermeer_2017, Mak_2018). These data indicate that the variant is very likely to be associated with disease. To our knowledge, no experimental evidence demonstrating an impact on protein function has been reported. Two other clinical diagnostic laboratories have submitted clinical-significance assessments for this variant to ClinVar after 2014 without evidence for independent evaluation and cited the variant as pathogenic. Based on the evidence outlined above, the variant was classified as pathogenic.

GeneDx
Classification: Pathogenic. Last evaluated: 2018-12-18. Review status: criteria provided, single submitter. Criteria: GeneDx Variant Classification (06012015). Collection method: clinical testing. Allele origin: germline. Affected: yes.
Comment: p.Gly768Arg (GGG>CGG): c.2302 G>C in exon 21 of the MYH7 gene (NM_000257.2). The G768R mutation in the MYH7 gene (as a result of a G>C or G>A nucleotide substitution) has been reported previously in association with HCM (Richard P et al., 2003; Millat et al, 2010; Hinton R et al., 2010). In one reported family, the G768R mutation co-segregated with an HCM or restrictive cardiomyopathy phenotype and the age of onset ranged from infancy to adulthood (Hinton R et al., 2010). In two studies, the G768R mutation was not present in 200 and 400 chromosomes of matched healthy adult controls (Richard P et al., 2003, Millat et al, 2010). In addition, the NHLBI Exome Sequencing Project reports G768R was not observed in approximately 6,500 individuals of European and African American backgrounds, indicating it is not a common benign variant in these populations. The G768R mutation results in a non-conservative amino acid substitution of a non-polar Glycine for a positively charged Arginine at a position in the b-myosin heavy chain that is conserved across species. Moreover, missense mutations affecting nearby residues (F764L, F764Y, E774V) have been reported in association with cardiomyopathy, further supporting the functional importance of this region of the protein. In summary, G768R in the MYH7 gene is interpreted as a disease-causing mutation. The variant is found in HCM panel(s).

Literature cited by the submitters: PubMed 12707239 (cited by Labcorp Genetics (formerly Invitae), Labcorp); PubMed 18076673 (cited by 3 submitters); PubMed 20800588 (cited by Labcorp Genetics (formerly Invitae), Labcorp and Women's Health and Genetics/Laboratory Corporation of America, LabCorp); PubMed 25935763 (cited by Labcorp Genetics (formerly Invitae), Labcorp and Ambry Genetics); PubMed 27600940 (cited by Labcorp Genetics (formerly Invitae), Labcorp and Ambry Genetics); PubMed 27532257 (cited by Labcorp Genetics (formerly Invitae), Labcorp and Ambry Genetics); PubMed 20394946 (cited by Ambry Genetics and Women's Health and Genetics/Laboratory Corporation of America, LabCorp); PubMed 23054336 (cited by Ambry Genetics and Women's Health and Genetics/Laboratory Corporation of America, LabCorp); PubMed 23549607 (cited by Ambry Genetics); PubMed 25125180 (cited by Ambry Genetics); PubMed 28067235 (cited by Ambry Genetics); PubMed 28396031 (cited by Ambry Genetics and Women's Health and Genetics/Laboratory Corporation of America, LabCorp); PubMed 28606303 (cited by Ambry Genetics); PubMed 30022097 (cited by Ambry Genetics and Women's Health and Genetics/Laboratory Corporation of America, LabCorp); PubMed 30745532 (cited by Ambry Genetics); PubMed 32013205 (cited by Ambry Genetics); PubMed 27662471 (cited by Women's Health and Genetics/Laboratory Corporation of America, LabCorp).